The following is an entry in ClinVar:

NM_004304.5(ALK):c.3428G>T (p.Ser1143Ile)

Gene: ALK (ALK receptor tyrosine kinase; minus strand). Cytogenetic location: 2p23.2.
Variant type: single nucleotide variant.
Coding change: c.3428G>T on transcript NM_004304.5 (MANE Select); coding-DNA position 3428, G replaced by T.
Protein change: p.Ser1143Ile; replaces serine 1143 with isoleucine.
Molecular consequence: missense variant.
Genome position (GRCh38, 1-based): chr2:29,222,539, C>A on the plus strand (G>T on the coding strand, the complement: ALK is on the minus strand). VCF-style: chr2-29222539-C-A. GRCh37 (hg19) VCF-style: chr2-29445405-C-A.
Other names: c.224G>T, p.Ser75Ile (NM_001353765.2); short protein forms S75I, S1143I.
Identifiers: ClinVar variation 963459 (VCV000963459.12), dbSNP rs1669833411, ClinGen allele CA346463685.

ClinVar aggregate classification (germline): Uncertain significance. Review status: criteria provided, multiple submitters, no conflicts (2 of 4 stars). 2 submissions from 2 submitters: Uncertain significance (2). Last evaluated 2023-03-16.

Conditions:
Neuroblastoma, susceptibility to, 3. Also called: ALK-Related Neuroblastic Tumor Susceptibility. Identifiers: Orphanet 635, MedGen C2751681, MONDO:0013083, OMIM 613014.
Hereditary cancer-predisposing syndrome. Also called: Hereditary neoplastic syndrome; Tumor predisposition; Neoplastic Syndromes, Hereditary; Hereditary Cancer Syndrome. Identifiers: Orphanet 140162, MedGen C0027672, MeSH D009386, MONDO:0015356.

Submissions (2):

Labcorp Genetics (formerly Invitae), Labcorp
Classification: Uncertain significance for Neuroblastoma, susceptibility to, 3. Last evaluated: 2023-03-16. Review status: criteria provided, single submitter. Criteria: Invitae Variant Classification Sherloc (09022015). Collection method: clinical testing. Allele origin: germline.
Comment: In summary, the available evidence is currently insufficient to determine the role of this variant in disease. Therefore, it has been classified as a Variant of Uncertain Significance. An algorithm developed to predict the effect of missense changes on protein structure and function (PolyPhen-2) suggests that this variant is likely to be tolerated. ClinVar contains an entry for this variant (Variation ID: 963459). This variant has not been reported in the literature in individuals affected with ALK-related conditions. This variant is not present in population databases (gnomAD no frequency). This sequence change replaces serine, which is neutral and polar, with isoleucine, which is neutral and non-polar, at codon 1143 of the ALK protein (p.Ser1143Ile).

Ambry Genetics
Classification: Uncertain significance for Hereditary cancer-predisposing syndrome. Last evaluated: 2022-08-16. Review status: criteria provided, single submitter. Criteria: Ambry Variant Classification Scheme 2023. Collection method: clinical testing. Allele origin: germline.
Comment: The p.S1143I variant (also known as c.3428G>T), located in coding exon 21 of the ALK gene, results from a G to T substitution at nucleotide position 3428. The serine at codon 1143 is replaced by isoleucine, an amino acid with dissimilar properties. This amino acid position is conserved. In addition, this alteration is predicted to be tolerated by in silico analysis. Since supporting evidence is limited at this time, the clinical significance of this alteration remains unclear.